The following is an entry in ClinVar:

ClinVar aggregate classification (germline): Uncertain significance (1 of 4 stars; one submission).

Conditions:
Cardiovascular phenotype. Identifiers: MedGen CN230736.

Allele frequency attached by ClinVar (database versions not stated): ExAC 0.00011.
gnomAD v4.1: 59 of 1,613,712 alleles (0.0037%); highest among the groups gnomAD compares: South Asian, 0.062%; no homozygotes.

Submission:

Ambry Genetics
Classification: Uncertain significance for Cardiovascular phenotype. Last evaluated: 2025-12-11. Review status: criteria provided, single submitter. Criteria: Ambry Variant Classification Scheme 2023. Collection method: clinical testing. Allele origin: germline.
Comment: The c.3226C>A (p.P1076T) alteration is located in exon 48 (coding exon 48) of the COL1A2 gene. This alteration results from a C to A substitution at nucleotide position 3226, causing the proline (P) at amino acid position 1076 to be replaced by a threonine (T). Based on data from gnomAD, the A allele has an overall frequency of 0.009% (23/250596) total alleles studied. The highest observed frequency was 0.075% (23/30540) of South Asian alleles. Based on insufficient or conflicting evidence, the clinical significance of this alteration remains unclear.

NM_000089.4(COL1A2):c.3226C>A (p.Pro1076Thr)

Gene: COL1A2 (collagen type I alpha 2 chain; plus strand). Cytogenetic location: 7q21.3.
Variant type: single nucleotide variant.
Coding change: c.3226C>A on transcript NM_000089.4 (MANE Select); coding-DNA position 3226, C replaced by A.
Protein change: p.Pro1076Thr; replaces proline 1076 with threonine.
Molecular consequence: missense variant.
Genome position (GRCh38, 1-based): chr7:94,427,254, C>A. VCF-style: chr7-94427254-C-A. GRCh37 (hg19) VCF-style: chr7-94056566-C-A.
Other names: short protein forms P1076T.
Identifiers: ClinVar variation 1729124 (VCV001729124.3), dbSNP rs763974489, ClinGen allele CA4347704.